The following is an entry in ClinVar:

ClinVar aggregate classification (germline): Uncertain significance (1 of 4 stars; one submission).

Submission:

Labcorp Genetics (formerly Invitae), Labcorp
Classification: Uncertain significance. Last evaluated: 2024-03-19. Review status: criteria provided, single submitter. Criteria: Invitae Variant Classification Sherloc (09022015). Collection method: clinical testing. Allele origin: germline.
Comment: This sequence change replaces proline, which is neutral and non-polar, with leucine, which is neutral and non-polar, at codon 606 of the COL4A1 protein (p.Pro606Leu). This variant is not present in population databases (gnomAD no frequency). This variant has not been reported in the literature in individuals affected with COL4A1-related conditions. An algorithm developed to predict the effect of missense changes on protein structure and function (PolyPhen-2) suggests that this variant is likely to be disruptive. In summary, the available evidence is currently insufficient to determine the role of this variant in disease. Therefore, it has been classified as a Variant of Uncertain Significance.

NM_001845.6(COL4A1):c.1817C>T (p.Pro606Leu)

Gene: COL4A1 (collagen type IV alpha 1 chain; minus strand). Cytogenetic location: 13q34.
Variant type: single nucleotide variant.
Coding change: c.1817C>T on transcript NM_001845.6 (MANE Select); coding-DNA position 1817, C replaced by T.
Protein change: p.Pro606Leu; replaces proline 606 with leucine.
Molecular consequence: missense variant.
Genome position (GRCh38, 1-based): chr13:110,186,465, G>A on the plus strand (C>T on the coding strand, the complement: COL4A1 is on the minus strand). VCF-style: chr13-110186465-G-A. GRCh37 (hg19) VCF-style: chr13-110838812-G-A.
Other names: short protein forms P606L.
Identifiers: ClinVar variation 3703590 (VCV003703590.2).